The following is an entry in ClinVar:

NM_170606.3(KMT2C):c.4890G>A (p.Ser1630=)

Gene: KMT2C (lysine methyltransferase 2C; minus strand). Cytogenetic location: 7q36.1.
Variant type: single nucleotide variant.
Coding change: c.4890G>A on transcript NM_170606.3 (MANE Select); coding-DNA position 4890, G replaced by A.
Protein change: p.Ser1630=; no amino-acid change (serine 1630 retained).
Molecular consequence: synonymous variant.
Genome position (GRCh38, 1-based): chr7:152,187,380, C>T on the plus strand (G>A on the coding strand, the complement: KMT2C is on the minus strand). VCF-style: chr7-152187380-C-T. GRCh37 (hg19) VCF-style: chr7-151884465-C-T.
Identifiers: ClinVar variation 2079461 (VCV002079461.11), dbSNP rs750399150, ClinGen allele CA4580386.
Genomic context (GRCh38, chr7:152,187,380, plus strand): 5'-AGTTGCCATTTCACCCAGAGCCTCCTCTTTCTCCCACTTAAGCGTGCTTCTCTGGGCATT[C>T]GACATTGTGTCATTTTCTCCTTCCACAGTGGGAGCTGATGATGTCCAAGAGTTGTTAGGA-3'
Protein context (NP_733751.2, residues 1620-1640): PTVEGENDTM[Ser1630=]NAQRSTLKWE

ClinVar aggregate classification (germline): Benign/Likely benign. Review status: criteria provided, multiple submitters, no conflicts (2 of 4 stars). 2 submissions from 2 submitters: Benign (1); Likely benign (1). Last evaluated 2025-10-16.

Allele frequency attached by ClinVar (database versions not stated): gnomAD 0.00001; ExAC 0.00004; TOPMed 0.00005.
gnomAD v4.1: 38 of 1,613,882 alleles (0.0024%); highest among the groups gnomAD compares: Admixed American, 0.028%; 1 homozygote.

Submissions (2):

Labcorp Genetics (formerly Invitae), Labcorp
Classification: Benign. Last evaluated: 2025-10-16. Review status: criteria provided, single submitter. Criteria: Invitae Variant Classification Sherloc (09022015). Collection method: clinical testing. Allele origin: germline.

CeGaT Center for Human Genetics Tuebingen
Classification: Likely benign. Last evaluated: 2025-03-01. Review status: criteria provided, single submitter. Criteria: CeGaT Center For Human Genetics Tuebingen Variant Classification Criteria Version 2. Collection method: clinical testing. Allele origin: germline. Affected: yes. Observed: 1 variant allele.
Comment: KMT2C: BP4, BP7